The following is an entry in ClinVar:

ClinVar aggregate classification (germline): Likely benign. Review status: criteria provided, multiple submitters, no conflicts (2 of 4 stars). 3 submissions from 3 submitters: Likely benign (3). Last evaluated 2026-09-01.

Allele frequency attached by ClinVar (database versions not stated): 1000 Genomes Project 30x 0.00016; 1000 Genomes Project 0.00020; ESP Exome Variant Server 0.00054; gnomAD 0.00062 and 0.00064; TOPMed 0.00062; gnomAD exomes 0.00083 and 0.00089; ExAC 0.00104.
gnomAD v4.1: 1,378 of 1,597,254 alleles (0.086%); highest among the groups gnomAD compares: Non-Finnish European, 0.11%; 2 homozygotes.

Submissions (3):

CeGaT Center for Human Genetics Tuebingen
Classification: Likely benign. Last evaluated: 2026-09-01. Review status: criteria provided, single submitter. Criteria: CeGaT Center For Human Genetics Tuebingen Variant Classification Criteria Version 2. Collection method: clinical testing. Allele origin: germline. Affected: yes. Observed: 6 variant alleles.
Comment: MIPEP: BP4, BP7

Labcorp Genetics (formerly Invitae), Labcorp
Classification: Likely benign. Last evaluated: 2025-12-18. Review status: criteria provided, single submitter. Criteria: Invitae Variant Classification Sherloc (09022015). Collection method: clinical testing. Allele origin: germline.

Blueprint Genetics
Classification: Likely benign. Last evaluated: 2024-11-22. Review status: criteria provided, single submitter. Criteria: ACMG Guidelines, 2015. Collection method: clinical testing. Allele origin: germline.

NM_005932.4(MIPEP):c.927G>A (p.Thr309=)

Gene: MIPEP (mitochondrial intermediate peptidase; minus strand). Cytogenetic location: 13q12.12.
Variant type: single nucleotide variant.
Coding change: c.927G>A on transcript NM_005932.4 (MANE Select); coding-DNA position 927, G replaced by A.
Protein change: p.Thr309=; no amino-acid change (threonine 309 retained).
Molecular consequence: synonymous variant.
Genome position (GRCh38, 1-based): chr13:23,869,308, C>T on the plus strand (G>A on the coding strand, the complement: MIPEP is on the minus strand). VCF-style: chr13-23869308-C-T. GRCh37 (hg19) VCF-style: chr13-24443447-C-T.
Identifiers: ClinVar variation 726252 (VCV000726252.42), dbSNP rs41283990, ClinGen allele CA6913170.